The following is an entry in ClinVar:

ClinVar aggregate classification (germline): Uncertain significance. Review status: criteria provided, multiple submitters, no conflicts (2 of 4 stars). 3 submissions from 3 submitters: Uncertain significance (3). Last evaluated 2025-12-15.

Conditions:
Neuropathy, hereditary sensory and autonomic, type 2B (HSAN2B). Also called: RETREG1-Related HSAN2 (HSAN2B). Identifiers: Orphanet 970, MedGen C2751092, MONDO:0013142, OMIM 613115.
Inborn genetic diseases. Identifiers: MedGen C0950123, MeSH D030342.

Allele frequency attached by ClinVar (database versions not stated): gnomAD exomes 0.00001 and 0.00002; gnomAD 0.00003; TOPMed 0.00004.

Submissions (3):

Ambry Genetics
Classification: Uncertain significance for Inborn genetic diseases. Last evaluated: 2025-12-15. Review status: criteria provided, single submitter. Criteria: Ambry Variant Classification Scheme 2023. Collection method: clinical testing. Allele origin: germline.

Labcorp Genetics (formerly Invitae), Labcorp
Classification: Uncertain significance. Last evaluated: 2022-06-22. Review status: criteria provided, single submitter. Criteria: Invitae Variant Classification Sherloc (09022015). Collection method: clinical testing. Allele origin: germline.
Comment: This sequence change replaces serine, which is neutral and polar, with glycine, which is neutral and non-polar, at codon 281 of the RETREG1 protein (p.Ser281Gly). This variant is present in population databases (no rsID available, gnomAD 0.004%). This variant has not been reported in the literature in individuals affected with RETREG1-related conditions. ClinVar contains an entry for this variant (Variation ID: 579164). Algorithms developed to predict the effect of missense changes on protein structure and function are either unavailable or do not agree on the potential impact of this missense change (SIFT: "Tolerated"; PolyPhen-2: "Probably Damaging"; Align-GVGD: "Class C0"). In summary, the available evidence is currently insufficient to determine the role of this variant in disease. Therefore, it has been classified as a Variant of Uncertain Significance.

Illumina Laboratory Services, Illumina
Classification: Uncertain significance for Neuropathy, hereditary sensory and autonomic, type 2B. Last evaluated: 2018-01-13. Review status: criteria provided, single submitter. Criteria: ICSL Variant Classification Criteria 13 December 2019. Collection method: clinical testing. Allele origin: germline.

NM_001034850.3(RETREG1):c.841A>G (p.Ser281Gly)

Gene: RETREG1 (reticulophagy regulator 1; minus strand). Cytogenetic location: 5p15.1.
Variant type: single nucleotide variant.
Coding change: c.841A>G on transcript NM_001034850.3 (MANE Select); coding-DNA position 841, A replaced by G.
Protein change: p.Ser281Gly; replaces serine 281 with glycine.
Molecular consequence: missense variant.
Genome position (GRCh38, 1-based): chr5:16,478,066, T>C on the plus strand (A>G on the coding strand, the complement: RETREG1 is on the minus strand). VCF-style: chr5-16478066-T-C. GRCh37 (hg19) VCF-style: chr5-16478175-T-C.
Other names: c.418A>G, p.Ser140Gly (NM_019000.5); c.841A>G (NM_001034850.1); short protein forms S281G, S140G.
Identifiers: ClinVar variation 579164 (VCV000579164.12), dbSNP rs1430719865, ClinGen allele CA359258194.